The following is an entry in ClinVar:

ClinVar aggregate classification (germline): Conflicting classifications of pathogenicity. Review status: criteria provided, conflicting classifications (1 of 4 stars). 4 submissions from 4 submitters: Uncertain significance (2); Likely benign (2). Last evaluated 2024-02-09.

Conditions:
Hereditary cancer-predisposing syndrome. Also called: Neoplastic Syndromes, Hereditary; Tumor predisposition; Hereditary Cancer Syndrome; Hereditary neoplastic syndrome. Identifiers: Orphanet 140162, MedGen C0027672, MeSH D009386, MONDO:0015356.
Hereditary breast ovarian cancer syndrome. Also called: Hereditary breast and ovarian cancer syndrome; Hereditary breast and ovarian cancer; Hereditary breast and ovarian cancer syndrome (HBOC); Hereditary breast and/or ovarian cancer syndrome; Breast and ovarian cancer; BRCA1- and BRCA2-Associated Hereditary Breast and Ovarian Cancer. Identifiers: Orphanet 145, MedGen C0677776, MeSH D061325, MONDO:0003582. Disease mechanism: loss of function.
Familial cancer of breast. Also called: hereditary breast carcinoma; BREAST CANCER, FAMILIAL; Hereditary breast cancer. Identifiers: Orphanet 227535, MedGen C0346153, MONDO:0016419, OMIM 114480. Disease mechanism: loss of function.

Submissions (4):

MGZ Medical Genetics Center
Classification: Likely benign for Familial cancer of breast. Last evaluated: 2024-02-09. Review status: criteria provided, single submitter. Criteria: CSpec BRCA1/2ACMG Rules Specifications V1.1.0. Collection method: clinical testing. Allele origin: germline. Affected: yes.
Comment: ACMG codes applied following ENIGMA VCEP rules: BP1_STR, PM2_SUP

Ambry Genetics
Classification: Uncertain significance for Hereditary cancer-predisposing syndrome. Last evaluated: 2024-02-07. Review status: criteria provided, single submitter. Criteria: Ambry Variant Classification Scheme 2023. Collection method: clinical testing. Allele origin: germline.
Comment: The p.I373M variant (also known as c.1119A>G), located in coding exon 9 of the BRCA1 gene, results from an A to G substitution at nucleotide position 1119. The isoleucine at codon 373 is replaced by methionine, an amino acid with highly similar properties. This amino acid position is not well conserved in available vertebrate species. In addition, the in silico prediction for this alteration is inconclusive. Based on the available evidence, the clinical significance of this alteration remains unclear.

Labcorp Genetics (formerly Invitae), Labcorp
Classification: Uncertain significance for Hereditary breast ovarian cancer syndrome. Last evaluated: 2023-11-17. Review status: criteria provided, single submitter. Criteria: Invitae Variant Classification Sherloc (09022015). Collection method: clinical testing. Allele origin: germline.
Comment: This sequence change replaces isoleucine, which is neutral and non-polar, with methionine, which is neutral and non-polar, at codon 373 of the BRCA1 protein (p.Ile373Met). This variant is not present in population databases (gnomAD no frequency). This variant has not been reported in the literature in individuals affected with BRCA1-related conditions. ClinVar contains an entry for this variant (Variation ID: 2118277). Advanced modeling of protein sequence and biophysical properties (such as structural, functional, and spatial information, amino acid conservation, physicochemical variation, residue mobility, and thermodynamic stability) performed at Invitae indicates that this missense variant is not expected to disrupt BRCA1 protein function with a negative predictive value of 95%. In summary, the available evidence is currently insufficient to determine the role of this variant in disease. Therefore, it has been classified as a Variant of Uncertain Significance.

University of Washington Department of Laboratory Medicine, University of Washington
Classification: Likely benign for Hereditary cancer-predisposing syndrome. Last evaluated: 2023-03-23. Review status: criteria provided, single submitter. Criteria: Dines et al. (Genet Med. 2020). Collection method: curation. Allele origin: germline.
Comment: Missense variant in a coldspot region where missense variants are very unlikely to be pathogenic (PMID:31911673).

BRCA1 coldspot (exon 11 using historical exon numbering). Reclassification based on statistical prior probability

NM_007294.4(BRCA1):c.1119A>G (p.Ile373Met)

Gene: BRCA1 (BRCA1 DNA repair associated; minus strand). Cytogenetic location: 17q21.31.
Variant type: single nucleotide variant.
Coding change: c.1119A>G on transcript NM_007294.4 (MANE Select); coding-DNA position 1119, A replaced by G.
Protein change: p.Ile373Met; replaces isoleucine 373 with methionine.
Molecular consequence: missense variant. On other transcripts: intron variant (137).
Genome position (GRCh38, 1-based): chr17:43,094,412, T>C on the plus strand (A>G on the coding strand, the complement: BRCA1 is on the minus strand). VCF-style: chr17-43094412-T-C. GRCh37 (hg19) VCF-style: chr17-41246429-T-C.
Other names: c.906A>G, p.Ile302Met (NM_001407571.1, NM_001407853.1, NM_001407894.1 and 9 more transcripts); c.1119A>G, p.Ile373Met (NM_001407581.1, NM_001407582.1, NM_001407583.1 and 30 more transcripts); c.1116A>G, p.Ile372Met (NM_001407587.1, NM_001407590.1, NM_001407591.1 and 22 more transcripts); c.1110A>G, p.Ile370Met (NM_001407646.1, NM_001407647.1); c.996A>G, p.Ile332Met (NM_001407648.1, NM_001407664.1, NM_001407665.1 and 19 more transcripts); c.993A>G, p.Ile331Met (NM_001407649.1, NM_001407670.1, NM_001407671.1 and 11 more transcripts); c.1041A>G, p.Ile347Met (NM_001407653.1, NM_001407654.1, NM_001407655.1 and 4 more transcripts); c.1038A>G, p.Ile346Met (NM_001407659.1, NM_001407660.1, NM_001407661.1 and 1 more transcripts); and 40 more; short protein forms I262M, I303M, I325M, I370M, I205M, I284M, I326M, I331M.
Identifiers: ClinVar variation 2118277 (VCV002118277.7), dbSNP rs2154475077, ClinGen allele CA10599818.